The following is an entry in ClinVar:

NM_000135.4(FANCA):c.4022A>G (p.Tyr1341Cys)

Genes: FANCA (FA complementation group A; minus strand), ZNF276 (zinc finger protein 276; plus strand). Cytogenetic location: 16q24.3.
Variant type: single nucleotide variant.
Coding change: c.4022A>G on transcript NM_000135.4 (MANE Select); coding-DNA position 4022, A replaced by G.
Protein change: p.Tyr1341Cys; replaces tyrosine 1341 with cysteine.
Molecular consequence: missense variant. On other transcripts: 3 prime UTR variant (2), non-coding transcript variant (4).
Genome position (GRCh38, 1-based): chr16:89,739,278, T>C on the plus strand (A>G on the coding strand, the complement: FANCA is on the minus strand). VCF-style: chr16-89739278-T-C. GRCh37 (hg19) VCF-style: chr16-89805686-T-C.
Other names: c.4022A>G, p.Tyr1341Cys (NM_001286167.3); c.*1032T>C (NM_001113525.2, NM_152287.4); short protein forms Y1341C.
Identifiers: ClinVar variation 2911197 (VCV002911197.3), dbSNP rs768733593, ClinGen allele CA397484701.

ClinVar aggregate classification (germline): Uncertain significance (1 of 4 stars; one submission).

Conditions:
Fanconi anemia (FA). Also called: Fanconi's anemia. Identifiers: Orphanet 84, MedGen C0015625, MeSH D005199, MONDO:0019391.

Allele frequency attached by ClinVar (database versions not stated): TOPMed below 0.00001.

Submission:

Labcorp Genetics (formerly Invitae), Labcorp
Classification: Uncertain significance for Fanconi anemia. Last evaluated: 2023-02-03. Review status: criteria provided, single submitter. Criteria: Invitae Variant Classification Sherloc (09022015). Collection method: clinical testing. Allele origin: germline.
Comment: In summary, the available evidence is currently insufficient to determine the role of this variant in disease. Therefore, it has been classified as a Variant of Uncertain Significance. Advanced modeling of protein sequence and biophysical properties (such as structural, functional, and spatial information, amino acid conservation, physicochemical variation, residue mobility, and thermodynamic stability) performed at Invitae indicates that this missense variant is not expected to disrupt FANCA protein function. This variant has not been reported in the literature in individuals affected with FANCA-related conditions. This variant is not present in population databases (gnomAD no frequency). This sequence change replaces tyrosine, which is neutral and polar, with cysteine, which is neutral and slightly polar, at codon 1341 of the FANCA protein (p.Tyr1341Cys).